The following is an entry in ClinVar:

ClinVar aggregate classification (germline): Pathogenic (1 of 4 stars; one submission).

Conditions:
Ataxia-telangiectasia syndrome (AT). Also called: Ataxia telangiectasia (A-T); ATAXIA-TELANGIECTASIA, COMPLEMENTATION GROUP A; ATAXIA-TELANGIECTASIA, FRESNO VARIANT; Ataxia-telangiectasia; Ataxia-telangiectasia, complementation group E; LOUIS-BAR SYNDROME. Identifiers: Orphanet 100, MedGen C0004135, MONDO:0008840, OMIM 208900.

Submission:

Labcorp Genetics (formerly Invitae), Labcorp
Classification: Pathogenic for Ataxia-telangiectasia syndrome. Last evaluated: 2020-03-08. Review status: criteria provided, single submitter. Criteria: Invitae Variant Classification Sherloc (09022015). Collection method: clinical testing. Allele origin: germline.
Comment: For these reasons, this variant has been classified as Pathogenic. Loss-of-function variants in ATM are known to be pathogenic (PMID: 23807571, 25614872). This variant has been observed in individual(s) affected with clinical features of ataxia-telangiectasia (Invitae). This variant is not present in population databases (ExAC no frequency). This sequence change creates a premature translational stop signal (p.Met2962Hisfs*16) in the ATM gene. It is expected to result in an absent or disrupted protein product.

Literature cited by the submitters: PubMed 23807571; PubMed 25614872.

NM_000051.4(ATM):c.8883dup (p.Met2962fs)

Genes: ATM (ATM serine/threonine kinase; plus strand), C11orf65 (chromosome 11 open reading frame 65; minus strand). Cytogenetic location: 11q22.3.
Variant type: Duplication.
Coding change: c.8883dup on transcript NM_000051.4 (MANE Select); coding-DNA position 8883, one base duplicated (C; older notation c.8883dupC).
Protein change: p.Met2962fs; shifts the reading frame from methionine 2962.
Molecular consequence: frameshift variant. On other transcripts: intron variant (2).
Genome position (GRCh38, 1-based): chr11:108,365,114, C duplicated; the last of 2 consecutive C bases (chr11:108,365,113-108,365,114); duplicating either gives the same sequence. VCF-style (leftmost placement, unchanged base first): chr11-108365112-A-AC. GRCh37 (hg19) VCF-style: chr11-108235839-A-AC.
Other names: c.8883dup, p.Met2962fs (NM_001351834.2); c.640+20807dup (NM_001330368.2); c.694+20807dup (NM_001351110.2); short protein forms M2962fs.
Identifiers: ClinVar variation 1075302 (VCV001075302.10), dbSNP rs2137874352, ClinGen allele CA2499220741.